The following is an entry in ClinVar:

NM_138927.4(SON):c.5868CAGCCGCACCCCCAGCCGCCG[3] (p.1957SRTPSRR[5])

Gene: SON (SON DNA and RNA binding protein; plus strand). Cytogenetic location: 21q22.11.
Variant type: Microsatellite.
Coding change: c.5868CAGCCGCACCCCCAGCCGCCG[3] on transcript NM_138927.4 (MANE Select); three copies in a row of the 21-base unit CAGCCGCACCCCCAGCCGCCG starting at c.5868; the reference has four copies in a row; one copy, 21 bases deleted; also written c.5931_5951del.
Protein change: p.1957SRTPSRR[5].
Molecular consequence: inframe deletion. On other transcripts: non-coding transcript variant (1), intron variant (1).
Genome position (GRCh38, 1-based): chr21:33,555,162-33,555,182, CAGCCGCACCCCCAGCCGCCG deleted; deleting any 21 consecutive bases within chr21:33,555,091-33,555,182 gives the same sequence; the position shown is the placement nearest the transcript's 3' end. VCF-style (leftmost placement, unchanged base first): chr21-33555090-AAGCCGCCGCAGCCGCACCCCC-A. GRCh37 (hg19) VCF-style: chr21-34927396-AAGCCGCCGCAGCCGCACCCCC-A.
Other names: c.5868CAGCCGCACCCCCAGCCGCCG[3], p.1957SRTPSRR[5] (NM_001291411.2, NM_032195.3); c.245-2065AGCCGCCGCAGCCGCACCCCC[3] (NM_001291412.3); c.5931_5951del (NM_138927.4, NM_032195.2); c.5931_5951del21 (NM_138927.1, NM_138927.2).
Identifiers: ClinVar variation 774745 (VCV000774745.42), dbSNP rs1462103775, ClinGen allele CA512339185.
Genomic context (GRCh38, chr21:33,555,090, plus strand): 5'-TCCAAGTCGTCGACGAAGGTCTAGATCTGTGGGTAGAAGAAGGAGCTTTAGCATTTCCCC[AAGCCGCCGCAGCCGCACCCCC>A]AGCCGCCGCAGCCGCACCCCCAGCCGCCGCAGCCGCACCCCCAGCCGCCGCAGCCGCACC-3'

ClinVar aggregate classification (germline): Benign/Likely benign. Review status: criteria provided, multiple submitters, no conflicts (2 of 4 stars). 7 submissions from 7 submitters: Benign (5); Likely benign (1). 1 of the submissions does not count toward it. Last evaluated 2026-01-29.

Conditions:
Inborn genetic diseases. Identifiers: MedGen C0950123, MeSH D030342.
SON-related disorder. Also called: SON-related condition.
ZTTK syndrome (ZTTKS). Also called: Zhu-Tokita-Takenouchi-Kim Syndrome; ZTTK MULTIPLE CONGENITAL ANOMALIES-MENTAL RETARDATION SYNDROME. Identifiers: Orphanet 500150, MedGen C4310696, MONDO:0014936, OMIM 617140.

Submissions (7):

Labcorp Genetics (formerly Invitae), Labcorp
Classification: Benign. Last evaluated: 2026-01-29. Review status: criteria provided, single submitter. Criteria: Invitae Variant Classification Sherloc (09022015). Collection method: clinical testing. Allele origin: germline.

Laboratory of Genetics, Children's Clinical University Hospital Latvia
Classification: Benign. Last evaluated: 2025-02-16. Review status: criteria provided, single submitter. Criteria: ACMG Guidelines, 2015. Collection method: clinical testing. Allele origin: germline. Affected: yes.

CeGaT Center for Human Genetics Tuebingen
Classification: Benign. Last evaluated: 2023-08-01. Review status: criteria provided, single submitter. Criteria: CeGaT Center For Human Genetics Tuebingen Variant Classification Criteria Version 2. Collection method: clinical testing. Allele origin: germline. Affected: yes. Observed: 1 variant allele.
Comment: SON: BS1, BS2

Ambry Genetics
Classification: Benign for Inborn genetic diseases. Last evaluated: 2022-07-05. Review status: criteria provided, single submitter. Criteria: Ambry Variant Classification Scheme 2023. Collection method: clinical testing. Allele origin: germline.

Genome-Nilou Lab
Classification: Benign for ZTTK syndrome. Last evaluated: 2021-07-15. Review status: criteria provided, single submitter. Criteria: ACMG Guidelines, 2015. Collection method: clinical testing. Allele origin: germline. Affected: no.

GeneDx
Classification: Likely benign. Last evaluated: 2018-10-11. Review status: criteria provided, single submitter. Criteria: GeneDx Variant Classification Process June 2021. Collection method: clinical testing. Allele origin: germline. Affected: yes.

PreventionGenetics, part of Exact Sciences
Classification: Benign for SON-related condition. Last evaluated: 2019-06-26. Review status: no assertion criteria provided. Collection method: clinical testing. Allele origin: germline. Not counted in ClinVar's aggregate classification.
Comment: This variant is classified as benign based on ACMG/AMP sequence variant interpretation guidelines (Richards et al. 2015 PMID: 25741868, with internal and published modifications).